The following is an entry in ClinVar:

NM_018249.6(CDK5RAP2):c.1000-32A>G

Gene: CDK5RAP2 (CDK5 regulatory subunit associated protein 2; minus strand). Cytogenetic location: 9q33.2.
Variant type: single nucleotide variant.
Coding change: c.1000-32A>G on transcript NM_018249.6 (MANE Select); 32 bases into the intron before coding-DNA position 1000, A replaced by G.
Molecular consequence: intron variant.
Genome position (GRCh38, 1-based): chr9:120,525,110, T>C on the plus strand (A>G on the coding strand, the complement: CDK5RAP2 is on the minus strand). VCF-style: chr9-120525110-T-C. GRCh37 (hg19) VCF-style: chr9-123287388-T-C.
Other names: c.1000-32A>G (NM_001272039.2, NM_001011649.3).
Identifiers: ClinVar variation 158125 (VCV000158125.9), dbSNP rs71509524, ClinGen allele CA171554.

ClinVar aggregate classification (germline): Likely benign. Review status: criteria provided, single submitter (1 of 4 stars). 2 submissions from 2 submitters: Likely benign (1). 1 of the submissions does not count toward it. Last evaluated 2019-12-31.

Allele frequency attached by ClinVar (database versions not stated): 1000 Genomes Project 30x 0.00094; 1000 Genomes Project 0.00120; TOPMed 0.00162; ESP Exome Variant Server 0.00177; gnomAD 0.00334 and 0.00349; ExAC 0.00352; gnomAD exomes 0.00369.
gnomAD v4.1: 5,048 of 1,510,700 alleles (0.33%); highest among the groups gnomAD compares: Non-Finnish European, 0.33%; 21 homozygotes.

Submissions (2):

GeneDx
Classification: Likely benign. Last evaluated: 2019-12-31. Review status: criteria provided, single submitter. Criteria: GeneDx Variant Classification Process June 2021. Collection method: clinical testing. Allele origin: germline. Affected: yes.

Genetic Services Laboratory, University of Chicago
Classification: Likely benign. Review status: no assertion criteria provided. Collection method: clinical testing. Allele origin: germline. Inheritance: Autosomal recessive inheritance. Not counted in ClinVar's aggregate classification.
Comment: Likely benign based on allele frequency in 1000 Genomes Project or ESP global frequency and its presence in a patient with a rare or unrelated disease phenotype. NOT Sanger confirmed